The following is an entry in ClinVar:

ClinVar aggregate classification (germline): Uncertain significance (0 of 4 stars; one submission).

Conditions:
NBEA-related disorder. Also called: NBEA-related condition.

Submission:

PreventionGenetics, part of Exact Sciences
Classification: Uncertain significance for NBEA-related condition. Last evaluated: 2024-02-26. Review status: no assertion criteria provided. Collection method: clinical testing. Allele origin: germline.
Comment: The NBEA c.6244G>A variant is predicted to result in the amino acid substitution p.Val2082Ile. To our knowledge, this variant has not been reported in the literature or in a large population database, indicating this variant is rare. At this time, the clinical significance of this variant is uncertain due to the absence of conclusive functional and genetic evidence.

NM_001385012.1(NBEA):c.6244G>A (p.Val2082Ile)

Gene: NBEA (neurobeachin; plus strand). Cytogenetic location: 13q13.3.
Variant type: single nucleotide variant.
Coding change: c.6244G>A on transcript NM_001385012.1 (MANE Select); coding-DNA position 6244, G replaced by A.
Protein change: p.Val2082Ile; replaces valine 2082 with isoleucine.
Molecular consequence: missense variant.
Genome position (GRCh38, 1-based): chr13:35,432,333, G>A. VCF-style: chr13-35432333-G-A. GRCh37 (hg19) VCF-style: chr13-36006470-G-A.
Other names: c.6235G>A, p.Val2079Ile (NM_001379245.1); c.6244G>A, p.Val2082Ile (NM_015678.5); short protein forms V2079I, V2082I.
Identifiers: ClinVar variation 3061280 (VCV003061280.2), dbSNP rs2549536894, ClinGen allele CA387981035.
Genomic context (GRCh38, chr13:35,432,333, plus strand): 5'-TTGCATGATTTCTGGCGTTTGGATTACTGGGAAGATGATCTTCGTCGAAGGAGACGATTT[G>A]TTCGCAATGCATTTGGCTCCACTCATGCTGAAGCATTGCTGAAAGCTGCAATAGAATATG-3'
Protein context (NP_001371941.1, residues 2072-2092): EDDLRRRRRF[Val2082Ile]RNAFGSTHAE